The following is an entry in ClinVar:

ClinVar aggregate classification (germline): Uncertain significance (1 of 4 stars; one submission).

Submission:

Greenwood Genetic Center Diagnostic Laboratories, Greenwood Genetic Center
Classification: Uncertain significance. Last evaluated: 2024-06-11. Review status: criteria provided, single submitter. Criteria: ACMG Guidelines, 2015. Collection method: clinical testing. Allele origin: germline. Affected: yes.
Comment: Gene of Uncertain Significance

NM_013254.4(TBK1):c.2049A>G (p.Leu683=)

Gene: TBK1 (TANK binding kinase 1; plus strand). Cytogenetic location: 12q14.2.
Variant type: single nucleotide variant.
Coding change: c.2049A>G on transcript NM_013254.4 (MANE Select); coding-DNA position 2049, A replaced by G.
Protein change: p.Leu683=; no amino-acid change (leucine 683 retained).
Molecular consequence: synonymous variant.
Genome position (GRCh38, 1-based): chr12:64,497,737, A>G. VCF-style: chr12-64497737-A-G. GRCh37 (hg19) VCF-style: chr12-64891517-A-G.
Identifiers: ClinVar variation 3338552 (VCV003338552.1).
Genomic context (GRCh38, chr12:64,497,737, plus strand): 5'-TACAGCTTCCAGTGGAATCAAACATACCATGACCCCAATTTATCCAAGTTCTAACACATT[A>G]GTAGAAATGACTCTTGGGTAAGAAACTCATCATTTGGAAACTGTAGTGTTTCCATTTGCT-3'
Protein context (NP_037386.1, residues 673-693): MTPIYPSSNT[Leu683=]VEMTLGMKKL